The following is an entry in ClinVar:

NM_018109.4(MTPAP):c.1673T>C (p.Leu558Pro)

Gene: MTPAP (mitochondrial poly(A) polymerase; minus strand). Cytogenetic location: 10p11.23.
Variant type: single nucleotide variant.
Coding change: c.1673T>C on transcript NM_018109.4 (MANE Select); coding-DNA position 1673, T replaced by C.
Protein change: p.Leu558Pro; replaces leucine 558 with proline.
Molecular consequence: missense variant.
Genome position (GRCh38, 1-based): chr10:30,313,685, A>G on the plus strand (T>C on the coding strand, the complement: MTPAP is on the minus strand). VCF-style: chr10-30313685-A-G. GRCh37 (hg19) VCF-style: chr10-30602614-A-G.
Other names: short protein forms L558P.
Identifiers: ClinVar variation 1028088 (VCV001028088.1), dbSNP rs761755004, ClinGen allele CA5458908.

ClinVar aggregate classification (germline): Uncertain significance (1 of 4 stars; one submission).

Conditions:
Spastic ataxia 4. Identifiers: Orphanet 254343, MedGen C3150925, MONDO:0013354, OMIM 613672.

Allele frequency attached by ClinVar (database versions not stated): gnomAD exomes below 0.00001; ExAC 0.00001.
gnomAD v4.1: 2 of 1,614,190 alleles (0.00012%); highest among the groups gnomAD compares: Non-Finnish European, 0.00017%; no homozygotes.

Submission:

Baylor Genetics
Classification: Uncertain significance for Spastic ataxia 4. Last evaluated: 2020-02-23. Review status: criteria provided, single submitter. Criteria: ACMG Guidelines, 2015. Collection method: clinical testing. Allele origin: unknown. Affected: yes.
Comment: This variant was determined to be of uncertain significance according to ACMG Guidelines, 2015 [PMID:25741868].